The following is an entry in ClinVar:

NM_004795.4(KL):c.2239G>A (p.Glu747Lys)

Gene: KL (klotho; plus strand). Cytogenetic location: 13q13.1.
Variant type: single nucleotide variant.
Coding change: c.2239G>A on transcript NM_004795.4 (MANE Select); coding-DNA position 2239, G replaced by A.
Protein change: p.Glu747Lys; replaces glutamic acid 747 with lysine.
Molecular consequence: missense variant.
Genome position (GRCh38, 1-based): chr13:33,061,318, G>A. VCF-style: chr13-33061318-G-A. GRCh37 (hg19) VCF-style: chr13-33635455-G-A.
Other names: short protein forms E747K.
Identifiers: ClinVar variation 1942836 (VCV001942836.5), dbSNP rs996320933, ClinGen allele CA247532003.

ClinVar aggregate classification (germline): Uncertain significance (1 of 4 stars; one submission).

Allele frequency attached by ClinVar (database versions not stated): TOPMed 0.00001.

Submission:

Labcorp Genetics (formerly Invitae), Labcorp
Classification: Uncertain significance. Last evaluated: 2022-05-31. Review status: criteria provided, single submitter. Criteria: Invitae Variant Classification Sherloc (09022015). Collection method: clinical testing. Allele origin: germline.
Comment: Algorithms developed to predict the effect of missense changes on protein structure and function are either unavailable or do not agree on the potential impact of this missense change (SIFT: "Deleterious"; PolyPhen-2: "Benign"; Align-GVGD: "Class C0"). In summary, the available evidence is currently insufficient to determine the role of this variant in disease. Therefore, it has been classified as a Variant of Uncertain Significance. This variant has not been reported in the literature in individuals affected with KL-related conditions. This variant is not present in population databases (gnomAD no frequency). This sequence change replaces glutamic acid, which is acidic and polar, with lysine, which is basic and polar, at codon 747 of the KL protein (p.Glu747Lys).